The following is an entry in ClinVar:

NM_021926.4(ALX4):c.*1227G>A

Gene: ALX4 (ALX homeobox 4; minus strand). Cytogenetic location: 11p11.2.
Variant type: single nucleotide variant.
Coding change: c.*1227G>A on transcript NM_021926.4 (MANE Select); 1227 bases downstream of the stop codon, G replaced by A.
Molecular consequence: 3 prime UTR variant.
Genome position (GRCh38, 1-based): chr11:44,263,627, C>T on the plus strand (G>A on the coding strand, the complement: ALX4 is on the minus strand). VCF-style: chr11-44263627-C-T. GRCh37 (hg19) VCF-style: chr11-44285177-C-T.
Other names: c.*1227G>A (LRG_1256t1).
Identifiers: ClinVar variation 304664 (VCV000304664.5), dbSNP rs76501131, ClinGen allele CA10639109.

ClinVar aggregate classification (germline): Benign (1 of 4 stars; one submission).

Conditions:
Parietal foramina 2 (PFM2). Identifiers: Orphanet 60015, MedGen C1865044, MONDO:0012309, OMIM 609597.

Allele frequency attached by ClinVar (database versions not stated): gnomAD 0.00992 and 0.01081; TOPMed 0.01129; 1000 Genomes Project 0.01378; 1000 Genomes Project 30x 0.01468.

Submission:

Illumina Laboratory Services, Illumina
Classification: Benign for Parietal foramina 2. Last evaluated: 2018-01-12. Review status: criteria provided, single submitter. Criteria: ICSL Variant Classification Criteria 13 December 2019. Collection method: clinical testing. Allele origin: germline.
Comment: This variant was observed in the ICSL laboratory as part of a predisposition screen in an ostensibly healthy population. It had not been previously curated by ICSL or reported in the Human Gene Mutation Database (HGMD: prior to June 1st, 2018), and was therefore a candidate for classification through an automated scoring system. Utilizing variant allele frequency, disease prevalence and penetrance estimates, and inheritance mode, an automated score was calculated to assess if this variant is too frequent to cause the disease. Based on the score and internal cut-off values, a variant classified as benign is not then subjected to further curation. The score for this variant resulted in a classification of benign for this disease.